The following is an entry in ClinVar:

ClinVar aggregate classification (germline): Uncertain significance. Review status: criteria provided, multiple submitters, no conflicts (2 of 4 stars). 3 submissions from 3 submitters: Uncertain significance (3). Last evaluated 2026-05-01.

Conditions:
Hereditary cancer-predisposing syndrome. Also called: Hereditary Cancer Syndrome; Neoplastic Syndromes, Hereditary; Hereditary neoplastic syndrome; Tumor predisposition. Identifiers: Orphanet 140162, MedGen C0027672, MeSH D009386, MONDO:0015356.
Bloom syndrome (BLM). Also called: Bloom-Torre-Machacek syndrome. Identifiers: Orphanet 125, MedGen C0005859, MONDO:0008876, OMIM 210900.

Allele frequency attached by ClinVar (database versions not stated): ExAC 0.00001.
gnomAD v4.1: 4 of 1,612,290 alleles (0.00025%); highest among the groups gnomAD compares: East Asian, 0.0022%; no homozygotes.

Submissions (3):

CeGaT Center for Human Genetics Tuebingen
Classification: Uncertain significance. Last evaluated: 2026-05-01. Review status: criteria provided, single submitter. Criteria: CeGaT Center For Human Genetics Tuebingen Variant Classification Criteria Version 2. Collection method: clinical testing. Allele origin: germline. Affected: yes. Observed: 1 variant allele.
Comment: BLM: PM2, BP1

Ambry Genetics
Classification: Uncertain significance for Hereditary cancer-predisposing syndrome. Last evaluated: 2024-10-08. Review status: criteria provided, single submitter. Criteria: Ambry Variant Classification Scheme 2023. Collection method: clinical testing. Allele origin: germline.
Comment: The p.S1121N variant (also known as c.3362G>A), located in coding exon 17 of the BLM gene, results from a G to A substitution at nucleotide position 3362. The serine at codon 1121 is replaced by asparagine, an amino acid with highly similar properties. This amino acid position is conserved. In addition, this alteration is predicted to be tolerated by in silico analysis. Based on the available evidence, the clinical significance of this variant remains unclear.

Labcorp Genetics (formerly Invitae), Labcorp
Classification: Uncertain significance for Bloom syndrome. Last evaluated: 2022-07-29. Review status: criteria provided, single submitter. Criteria: Invitae Variant Classification Sherloc (09022015). Collection method: clinical testing. Allele origin: germline.
Comment: In summary, the available evidence is currently insufficient to determine the role of this variant in disease. Therefore, it has been classified as a Variant of Uncertain Significance. Algorithms developed to predict the effect of missense changes on protein structure and function (SIFT, PolyPhen-2, Align-GVGD) all suggest that this variant is likely to be tolerated. This variant has not been reported in the literature in individuals affected with BLM-related conditions. This variant is present in population databases (rs758753168, gnomAD 0.006%). This sequence change replaces serine, which is neutral and polar, with asparagine, which is neutral and polar, at codon 1121 of the BLM protein (p.Ser1121Asn).

NM_000057.4(BLM):c.3362G>A (p.Ser1121Asn)

Gene: BLM (BLM RecQ like helicase; plus strand). Cytogenetic location: 15q26.1.
Variant type: single nucleotide variant.
Coding change: c.3362G>A on transcript NM_000057.4 (MANE Select); coding-DNA position 3362, G replaced by A.
Protein change: p.Ser1121Asn; replaces serine 1121 with asparagine.
Molecular consequence: missense variant. On other transcripts: intron variant (1).
Genome position (GRCh38, 1-based): chr15:90,803,524, G>A. VCF-style: chr15-90803524-G-A. GRCh37 (hg19) VCF-style: chr15-91346754-G-A.
Other names: c.3362G>A, p.Ser1121Asn (NM_001287246.2); c.2237G>A, p.Ser746Asn (NM_001287248.2); c.3358+5187G>A (NM_001287247.2); short protein forms S746N, S1121N.
Identifiers: ClinVar variation 2150673 (VCV002150673.7), dbSNP rs758753168, ClinGen allele CA7739020.